The following is an entry in ClinVar:

ClinVar aggregate classification (germline): Uncertain significance (1 of 4 stars; one submission).

Conditions:
SOS1-related disorder. Also called: SOS1-related condition.

Submission:

PreventionGenetics, part of Exact Sciences
Classification: Uncertain significance for SOS1-related condition. Last evaluated: 2026-08-26. Review status: criteria provided, single submitter. Criteria: ACMG Guidelines, 2015. Collection method: clinical testing. Allele origin: germline.
Comment: The SOS1 c.2024A>G variant is predicted to result in the amino acid substitution p.Lys675Arg. To our knowledge, this variant has not been reported in the literature or in a large population database (gnomAD), indicating this variant is rare. At this time, the clinical significance of this variant is uncertain due to the absence of conclusive functional and genetic evidence.

NM_005633.4(SOS1):c.2024A>G (p.Lys675Arg)

Gene: SOS1 (SOS Ras/Rac guanine nucleotide exchange factor 1; minus strand). Cytogenetic location: 2p22.1.
Variant type: single nucleotide variant.
Coding change: c.2024A>G on transcript NM_005633.4 (MANE Select); coding-DNA position 2024, A replaced by G.
Protein change: p.Lys675Arg; replaces lysine 675 with arginine.
Molecular consequence: missense variant.
Genome position (GRCh38, 1-based): chr2:39,013,906, T>C on the plus strand (A>G on the coding strand, the complement: SOS1 is on the minus strand). VCF-style: chr2-39013906-T-C. GRCh37 (hg19) VCF-style: chr2-39241047-T-C.
Other names: c.2003A>G, p.Lys668Arg (NM_001382394.1); c.2024A>G, p.Lys675Arg (NM_001382395.1); short protein forms K675R, K668R.
Identifiers: ClinVar variation 4993211 (VCV004993211.1).